The following is an entry in ClinVar:

ClinVar aggregate classification (germline): Likely benign. Review status: criteria provided, multiple submitters, no conflicts (2 of 4 stars). 6 submissions from 6 submitters: Likely benign (3). 3 of the submissions do not count toward it. Last evaluated 2026-01-27.

Conditions:
Cardiovascular phenotype. Identifiers: MedGen CN230736.
Myofibrillar myopathy 5. Also called: FILAMINOPATHY, AUTOSOMAL DOMINANT; Filaminopathy (type). Identifiers: Orphanet 171445, MedGen C1836050, MONDO:0012289, OMIM 609524.
Hypertrophic cardiomyopathy 26. Also called: Cardiomyopathy, familial hypertrophic, 26. Identifiers: Orphanet 75249, MedGen C4310749, MONDO:0014883, OMIM 617047.
Distal myopathy with posterior leg and anterior hand involvement. Also called: WILLIAMS DISTAL MYOPATHY. Identifiers: Orphanet 63273, MedGen C3279722, MONDO:0013550, OMIM 614065.
FLNC-related disorder. Also called: FLNC-related condition; FLNC-related disorders.

Allele frequency attached by ClinVar (database versions not stated): gnomAD 0.00001; TOPMed 0.00008; 1000 Genomes Project 30x 0.00016; ESP Exome Variant Server 0.00016; 1000 Genomes Project 0.00020.
gnomAD v4.1: 47 of 1,613,888 alleles (0.0029%); highest among the groups gnomAD compares: East Asian, 0.0089%; no homozygotes.

Submissions (6):

Labcorp Genetics (formerly Invitae), Labcorp
Classification: Likely benign for Distal myopathy with posterior leg and anterior hand involvement; Myofibrillar myopathy 5; Hypertrophic cardiomyopathy 26. Last evaluated: 2026-01-27. Review status: criteria provided, single submitter. Criteria: Invitae Variant Classification Sherloc (09022015). Collection method: clinical testing. Allele origin: germline.

Phosphorus, Inc.
Classification: Likely benign. Last evaluated: 2022-01-18. Review status: criteria provided, single submitter. Criteria: ACMG Guidelines, 2015. Collection method: clinical testing. Allele origin: germline. Inheritance: Autosomal dominant inheritance.
Comment: This synonymous variant has an entry in ClinVar (810192) NM_001458.5 (FLNC): c.4134G>A (p.Ala1378=) and has occurred in GnomAD with a total MAF of 0.0029% and highest MAF of 0.0116% in the East Asian population. This position is not conserved. In silico splicing algorithm was unavailable, however it is not predicted to impact splicing due to its distance from the splice site. No functional studies were performed to confirm this prediction. The variant has not occurred in literature associated with disease. Considering the above evidence, this variant has been classified as Likely Benign.

Ambry Genetics
Classification: Likely benign for Cardiovascular phenotype. Last evaluated: 2019-11-01. Review status: criteria provided, single submitter. Criteria: Ambry Variant Classification Scheme 2023. Collection method: clinical testing. Allele origin: germline.

PreventionGenetics, part of Exact Sciences
Classification: Likely benign for FLNC-related condition. Last evaluated: 2022-01-25. Review status: no assertion criteria provided. Collection method: clinical testing. Allele origin: germline. Not counted in ClinVar's aggregate classification.
Comment: This variant is classified as likely benign based on ACMG/AMP sequence variant interpretation guidelines (Richards et al. 2015 PMID: 25741868, with internal and published modifications).

Clinical Genetics DNA and cytogenetics Diagnostics Lab, Erasmus MC, Erasmus Medical Center
Classification: Likely benign. Review status: no assertion criteria provided. Collection method: clinical testing. Allele origin: germline. Affected: yes. Study: VKGL Data-share Consensus. Not counted in ClinVar's aggregate classification.

Joint Genome Diagnostic Labs from Nijmegen and Maastricht, Radboudumc and MUMC+
Classification: Likely benign. Review status: no assertion criteria provided. Collection method: clinical testing. Allele origin: germline. Affected: yes. Study: VKGL Data-share Consensus. Not counted in ClinVar's aggregate classification.

NM_001458.5(FLNC):c.4134G>A (p.Ala1378=)

Gene: FLNC (filamin C; plus strand). Cytogenetic location: 7q32.1.
Variant type: single nucleotide variant.
Coding change: c.4134G>A on transcript NM_001458.5 (MANE Select); coding-DNA position 4134, G replaced by A.
Protein change: p.Ala1378=; no amino-acid change (alanine 1378 retained).
Molecular consequence: synonymous variant.
Genome position (GRCh38, 1-based): chr7:128,846,751, G>A. VCF-style: chr7-128846751-G-A. GRCh37 (hg19) VCF-style: chr7-128486805-G-A.
Other names: c.4134G>A, p.Ala1378= (NM_001127487.2).
Identifiers: ClinVar variation 810192 (VCV000810192.25), dbSNP rs200942470, ClinGen allele CA4475257.